The following is an entry in ClinVar:

NM_007294.4(BRCA1):c.-20+336C>T

Genes: BRCA1 (BRCA1 DNA repair associated; minus strand), LOC111589215 (BRCA1 promoter region; plus strand). Cytogenetic location: 17q21.31.
Variant type: single nucleotide variant.
Coding change: c.-20+336C>T on transcript NM_007294.4 (MANE Select); 336 bases into the intron after 20 bases upstream of the start codon, C replaced by T.
Molecular consequence: intron variant.
Genome position (GRCh38, 1-based): chr17:43,124,935, G>A on the plus strand (C>T on the coding strand, the complement: BRCA1 is on the minus strand). VCF-style: chr17-43124935-G-A. GRCh37 (hg19) VCF-style: chr17-41276952-G-A.
Other names: IVS 1+336C>T; c.-107+342C>T (NM_007297.4); c.-20+342C>T (NM_007299.4); c.-20+336C>T (NM_007300.4).
Identifiers: ClinVar variation 209577 (VCV000209577.4), dbSNP rs8176076, ClinGen allele CA276546.
Genomic context (GRCh38, chr17:43,124,935, plus strand): 5'-GCCTCCTGAGTAGCTGGAGCGGCACCACGCCCGGCTAATTTTTGTATTTTTAGTAGAGAC[G>A]GAGTTTCACCACGTTGGTCAGGCTGGTCTGGAACTCCTGACCTCATGACCAGCCGACGTT-3'

ClinVar aggregate classification (germline): Benign. Review status: reviewed by expert panel (3 of 4 stars). 3 submissions from 3 submitters: Benign (1). 2 of the submissions do not count toward it. Last evaluated 2015-01-12.

Conditions:
Breast-ovarian cancer, familial, susceptibility to, 1 (BROVCA1). Also called: BRCA1 Hereditary Breast and Ovarian Cancer; OVARIAN CANCER, SUSCEPTIBILITY TO. Identifiers: Orphanet 145, MedGen C2676676, MONDO:0011450, OMIM 604370. Disease mechanism: loss of function.

Allele frequency attached by ClinVar (database versions not stated): gnomAD 0.01526 and 0.01419; 1000 Genomes Project 0.01558; 1000 Genomes Project 30x 0.01577; TOPMed 0.01627; gnomAD exomes 0.00131.
gnomAD v4.1: 2,358 of 313,680 alleles (0.75%); highest among the groups gnomAD compares: African/African-American, 4.7%; 61 homozygotes.

Submissions (3):

Evidence-based Network for the Interpretation of Germline Mutant Alleles (ENIGMA)
Classification: Benign for Breast-ovarian cancer, familial 1. Last evaluated: 2015-01-12. Review status: reviewed by expert panel. Criteria: ENIGMA BRCA1/2 Classification Criteria (2015). Collection method: curation. Allele origin: germline.
Comment: Class 1 not pathogenic based on frequency >1% in an outbred sampleset. Frequency 0.0874 (African), derived from 1000 genomes (2012-04-30).

GeneDx
Classification: Likely benign. Last evaluated: 2018-06-25. Review status: criteria provided, single submitter. Criteria: GeneDx Variant Classification Process June 2021. Collection method: clinical testing. Allele origin: germline. Affected: yes. Not counted in ClinVar's aggregate classification.

Breakthrough Genomics
Classification: Benign. Review status: criteria provided, single submitter. Criteria: ACMG Guidelines, 2015. Collection method: not provided. Allele origin: germline. Inheritance: Autosomal recessive inheritance. Affected: yes. Not counted in ClinVar's aggregate classification.